The following is an entry in ClinVar:

NM_032638.5(GATA2):c.1265A>G (p.Gln422Arg)

Gene: GATA2 (GATA binding protein 2; minus strand). Cytogenetic location: 3q21.3.
Variant type: single nucleotide variant.
Coding change: c.1265A>G on transcript NM_032638.5 (MANE Select); coding-DNA position 1265, A replaced by G.
Protein change: p.Gln422Arg; replaces glutamine 422 with arginine.
Molecular consequence: missense variant.
Genome position (GRCh38, 1-based): chr3:128,481,197, T>C on the plus strand (A>G on the coding strand, the complement: GATA2 is on the minus strand). VCF-style: chr3-128481197-T-C. GRCh37 (hg19) VCF-style: chr3-128200040-T-C.
Other names: c.1265A>G, p.Gln422Arg (NM_001145661.2); c.1223A>G, p.Gln408Arg (NM_001145662.1); short protein forms Q408R, Q422R.
Identifiers: ClinVar variation 4620636 (VCV004620636.1).

ClinVar aggregate classification (germline): Uncertain significance (1 of 4 stars; one submission).

Conditions:
Inborn genetic diseases. Identifiers: MedGen C0950123, MeSH D030342.

Submission:

Ambry Genetics
Classification: Uncertain significance for Inborn genetic diseases. Last evaluated: 2025-11-10. Review status: criteria provided, single submitter. Criteria: Ambry Variant Classification Scheme 2023. Collection method: clinical testing. Allele origin: germline.
Comment: The p.Q422R variant (also known as c.1265A>G), located in coding exon 5 of the GATA2 gene, results from an A to G substitution at nucleotide position 1265. The glutamine at codon 422 is replaced by arginine, an amino acid with highly similar properties. This amino acid position is conserved. In addition, the in silico prediction for this alteration is inconclusive. Based on the available evidence, the clinical significance of this variant remains unclear.